The following is an entry in ClinVar:

NM_006005.3(WFS1):c.504C>T (p.Ser168=)

Gene: WFS1 (wolframin ER transmembrane glycoprotein; plus strand). Cytogenetic location: 4p16.1.
Variant type: single nucleotide variant.
Coding change: c.504C>T on transcript NM_006005.3 (MANE Select); coding-DNA position 504, C replaced by T.
Protein change: p.Ser168=; no amino-acid change (serine 168 retained).
Molecular consequence: synonymous variant.
Genome position (GRCh38, 1-based): chr4:6,291,240, C>T. VCF-style: chr4-6291240-C-T. GRCh37 (hg19) VCF-style: chr4-6292967-C-T.
Other names: c.504C>T, p.Ser168= (NM_001145853.1).
Identifiers: ClinVar variation 905840 (VCV000905840.42), dbSNP rs71537675, ClinGen allele CA2838922.

ClinVar aggregate classification (germline): Conflicting classifications of pathogenicity. Review status: criteria provided, conflicting classifications (1 of 4 stars). 6 submissions from 5 submitters: Uncertain significance (2); Benign (1); Likely benign (3). Last evaluated 2025-09-15.

Conditions:
Wolfram syndrome 1 (WFS1). Identifiers: Orphanet 3463, MedGen C4551693, MONDO:0009101, OMIM 222300.
Autosomal dominant nonsyndromic hearing loss 6 (LFSNHL). Also called: Autosomal dominant nonsyndromic deafness 6; DEAFNESS, AUTOSOMAL DOMINANT 6; DEAFNESS, AUTOSOMAL DOMINANT 14; DEAFNESS, AUTOSOMAL DOMINANT 38. Identifiers: Orphanet 90635, MedGen C1833021, MONDO:0010963, OMIM 600965.
WFS1-Related Spectrum Disorders.

Allele frequency attached by ClinVar (database versions not stated): gnomAD exomes 0.00002; ExAC 0.00003; gnomAD 0.00006 and 0.00007; TOPMed 0.00007; ESP Exome Variant Server 0.00008; 1000 Genomes Project 30x 0.00016; 1000 Genomes Project 0.00020.
gnomAD v4.1: 41 of 1,613,130 alleles (0.0025%); highest among the groups gnomAD compares: Middle Eastern, 0.033%; no homozygotes.

Submissions (6):

Labcorp Genetics (formerly Invitae), Labcorp
Classification: Likely benign. Last evaluated: 2025-09-15. Review status: criteria provided, single submitter. Criteria: Invitae Variant Classification Sherloc (09022015). Collection method: clinical testing. Allele origin: germline.

Blueprint Genetics
Classification: Likely benign. Last evaluated: 2024-11-01. Review status: criteria provided, single submitter. Criteria: ACMG Guidelines, 2015. Collection method: clinical testing. Allele origin: germline.

CeGaT Center for Human Genetics Tuebingen
Classification: Likely benign. Last evaluated: 2023-03-01. Review status: criteria provided, single submitter. Criteria: CeGaT Center For Human Genetics Tuebingen Variant Classification Criteria Version 2. Collection method: clinical testing. Allele origin: germline. Affected: yes. Observed: 1 variant allele.
Comment: WFS1: BP4, BP7

Illumina Laboratory Services, Illumina
Classification: Uncertain significance for Autosomal dominant nonsyndromic hearing loss 6. Last evaluated: 2018-01-13. Review status: criteria provided, single submitter. Criteria: ICSL Variant Classification Criteria 13 December 2019. Collection method: clinical testing. Allele origin: germline.

Illumina Laboratory Services, Illumina
Classification: Uncertain significance for WFS1-Related Spectrum Disorders. Last evaluated: 2018-01-13. Review status: criteria provided, single submitter. Criteria: ICSL Variant Classification Criteria 13 December 2019. Collection method: clinical testing. Allele origin: germline.

Clinical Genomics, Uppaluri K&H Personalized Medicine Clinic
Classification: Benign for Wolfram syndrome 1. Review status: criteria provided, single submitter. Criteria: K & H Uppaluri Personalized Medicine Clinic Variant Classification & Assertion Criteria_Updated V.1. Collection method: research. Allele origin: unknown. Inheritance: Autosomal recessive inheritance.
Comment: Potent mutations in WFS1 gene are associated with Wolfram's syndrome, an autosomal recessive condition, which cause diabetes mellitus, diabetes insipidus, deafness and optic atrophy. However no sufficient evidence is found to ascertain the role of this particular variant rs71537675 in Wolfram's syndrome yet.

Literature cited by the submitters: PubMed 20738327 (cited by Clinical Genomics, Uppaluri K&H Personalized Medicine Clinic); PubMed 33879153 (cited by Clinical Genomics, Uppaluri K&H Personalized Medicine Clinic); PubMed 12955714 (cited by Clinical Genomics, Uppaluri K&H Personalized Medicine Clinic); PubMed 18060660 (cited by Clinical Genomics, Uppaluri K&H Personalized Medicine Clinic); PubMed 20301750 (cited by Clinical Genomics, Uppaluri K&H Personalized Medicine Clinic); PubMed 17603484 (cited by Clinical Genomics, Uppaluri K&H Personalized Medicine Clinic).